The following is an entry in ClinVar:

NM_000264.5(PTCH1):c.3187A>T (p.Met1063Leu)

Gene: PTCH1 (patched 1; minus strand). Cytogenetic location: 9q22.32.
Variant type: single nucleotide variant.
Coding change: c.3187A>T on transcript NM_000264.5 (MANE Select); coding-DNA position 3187, A replaced by T.
Protein change: p.Met1063Leu; replaces methionine 1063 with leucine.
Molecular consequence: missense variant. On other transcripts: non-coding transcript variant (1).
Genome position (GRCh38, 1-based): chr9:95,456,395, T>A on the plus strand (A>T on the coding strand, the complement: PTCH1 is on the minus strand). VCF-style: chr9-95456395-T-A. GRCh37 (hg19) VCF-style: chr9-98218677-T-A.
Other names: c.2989A>T, p.Met997Leu (NM_001083602.3); c.3184A>T, p.Met1062Leu (NM_001083603.3); c.2734A>T, p.Met912Leu (NM_001083604.3, NM_001083605.3, NM_001083606.3 and 1 more transcripts); c.3031A>T, p.Met1011Leu (NM_001354918.2); short protein forms M1011L, M912L, M1062L, M1063L, M997L.
Identifiers: ClinVar variation 2449669 (VCV002449669.3), dbSNP rs1838932789, ClinGen allele CA374112199.

ClinVar aggregate classification (germline): Uncertain significance (1 of 4 stars; one submission).

Conditions:
Hereditary cancer-predisposing syndrome. Also called: Neoplastic Syndromes, Hereditary; Tumor predisposition; Hereditary neoplastic syndrome; Hereditary Cancer Syndrome. Identifiers: Orphanet 140162, MedGen C0027672, MeSH D009386, MONDO:0015356.

Submission:

Ambry Genetics
Classification: Uncertain significance for Hereditary cancer-predisposing syndrome. Last evaluated: 2025-11-19. Review status: criteria provided, single submitter. Criteria: Ambry Variant Classification Scheme 2023. Collection method: clinical testing. Allele origin: germline.
Comment: The p.M1063L variant (also known as c.3187A>T), located in coding exon 19 of the PTCH1 gene, results from an A to T substitution at nucleotide position 3187. The methionine at codon 1063 is replaced by leucine, an amino acid with highly similar properties. This amino acid position is conserved. In addition, this alteration is predicted to be deleterious by in silico analysis. Since supporting evidence is limited at this time, the clinical significance of this alteration remains unclear.